The following is an entry in ClinVar:

ClinVar aggregate classification (germline): Pathogenic (1 of 4 stars; one submission).

Submission:

Labcorp Genetics (formerly Invitae), Labcorp
Classification: Pathogenic. Last evaluated: 2024-11-05. Review status: criteria provided, single submitter. Criteria: Invitae Variant Classification Sherloc (09022015). Collection method: clinical testing. Allele origin: germline.
Comment: This sequence change creates a premature translational stop signal (p.Ala1946Serfs*4) in the POLE gene. It is expected to result in an absent or disrupted protein product. Loss-of-function variants in POLE are known to be pathogenic (PMID: 23230001, 25948378, 30503519). This variant is not present in population databases (gnomAD no frequency). This variant has not been reported in the literature in individuals affected with POLE-related conditions. For these reasons, this variant has been classified as Pathogenic.

Literature cited by the submitters: PubMed 23230001; PubMed 25948378; PubMed 30503519.

NM_006231.4(POLE):c.5834dup (p.Ala1946fs)

Gene: POLE (DNA polymerase epsilon, catalytic subunit; minus strand). Cytogenetic location: 12q24.33.
Variant type: Duplication.
Coding change: c.5834dup on transcript NM_006231.4 (MANE Select); coding-DNA position 5834, one base duplicated (G; older notation c.5834dupG).
Protein change: p.Ala1946fs; shifts the reading frame from alanine 1946.
Molecular consequence: frameshift variant.
Genome position (GRCh38, 1-based): chr12:132,634,356, C duplicated on the plus strand (G on the coding strand, the reverse complement: POLE is on the minus strand); the first of 5 consecutive C bases (chr12:132,634,356-132,634,360); duplicating any one gives the same sequence. VCF-style (leftmost placement, unchanged base first): chr12-132634355-T-TC. GRCh37 (hg19) VCF-style: chr12-133210941-T-TC.
Other names: short protein forms A1946fs.
Identifiers: ClinVar variation 3724700 (VCV003724700.2).